The following is an entry in ClinVar:

ClinVar aggregate classification (germline): Uncertain significance. Review status: criteria provided, multiple submitters, no conflicts (2 of 4 stars). 3 submissions from 3 submitters: Uncertain significance (3). Last evaluated 2023-08-15.

Conditions:
Inborn genetic diseases. Identifiers: MedGen C0950123, MeSH D030342.
RYR1-related disorder. Also called: RYR1-related disorders; RYR1-related condition. Identifiers: MedGen CN239331.
Malignant hyperthermia, susceptibility to, 1 (MHS1). Also called: Anesthesia related hyperthermia; Malignant hyperpyrexia; Fulminating hyperpyrexia; Pharmacogenic myopathy; RYR1-Related Malignant Hyperthermia Susceptibility; Malignant hyperthermia suceptibility 1. Identifiers: Orphanet 423, MedGen C2930980, MONDO:0007783, OMIM 145600.

Allele frequency attached by ClinVar (database versions not stated): gnomAD exomes 0.00001; TOPMed 0.00001; gnomAD 0.00002; ExAC 0.00003.
gnomAD v4.1: 13 of 1,613,802 alleles (0.00081%); highest among the groups gnomAD compares: East Asian, 0.011%; no homozygotes.

Submissions (3):

All of Us Research Program, National Institutes of Health
Classification: Uncertain significance for Malignant hyperthermia, susceptibility to, 1. Last evaluated: 2023-08-15. Review status: criteria provided, single submitter. Criteria: ACMG Guidelines, 2015. Collection method: clinical testing. Allele origin: germline. Inheritance: Autosomal dominant inheritance. Observed: 1 variant allele, 1 heterozygote.
Comment: This study involves interpretation of variants in research participants for the purpose of population health screening. Participant phenotype was not available at the time of variant classification. Additional details can be found in publication PMID: 35346344, PMCID: PMC8962531

Labcorp Genetics (formerly Invitae), Labcorp
Classification: Uncertain significance for RYR1-related disorder. Last evaluated: 2022-10-27. Review status: criteria provided, single submitter. Criteria: Invitae Variant Classification Sherloc (09022015). Collection method: clinical testing. Allele origin: germline.
Comment: This sequence change replaces arginine, which is basic and polar, with glutamine, which is neutral and polar, at codon 870 of the RYR1 protein (p.Arg870Gln). This variant is present in population databases (rs755152453, gnomAD 0.01%). This variant has not been reported in the literature in individuals affected with RYR1-related conditions. ClinVar contains an entry for this variant (Variation ID: 521351). Advanced modeling of protein sequence and biophysical properties (such as structural, functional, and spatial information, amino acid conservation, physicochemical variation, residue mobility, and thermodynamic stability) has been performed at Invitae for this missense variant, however the output from this modeling did not meet the statistical confidence thresholds required to predict the impact of this variant on RYR1 protein function. In summary, the available evidence is currently insufficient to determine the role of this variant in disease. Therefore, it has been classified as a Variant of Uncertain Significance.

Ambry Genetics
Classification: Uncertain significance for Inborn genetic diseases. Last evaluated: 2016-11-10. Review status: criteria provided, single submitter. Criteria: Ambry exome assertion method (8-5-2015). Collection method: clinical testing. Allele origin: germline. Affected: yes. Observed: 1 variant allele.

NM_000540.3(RYR1):c.2609G>A (p.Arg870Gln)

Gene: RYR1 (ryanodine receptor 1; plus strand). Cytogenetic location: 19q13.2.
Variant type: single nucleotide variant.
Coding change: c.2609G>A on transcript NM_000540.3 (MANE Select); coding-DNA position 2609, G replaced by A.
Protein change: p.Arg870Gln; replaces arginine 870 with glutamine.
Molecular consequence: missense variant.
Genome position (GRCh38, 1-based): chr19:38,463,454, G>A. VCF-style: chr19-38463454-G-A. GRCh37 (hg19) VCF-style: chr19-38954094-G-A.
Other names: c.2609G>A, p.Arg870Gln (NM_001042723.2); short protein forms R870Q.
Identifiers: ClinVar variation 521351 (VCV000521351.7), dbSNP rs755152453, ClinGen allele CA063607.